The following is an entry in ClinVar:

NM_000092.5(COL4A4):c.755G>T (p.Gly252Val)

Gene: COL4A4 (collagen type IV alpha 4 chain; minus strand). Cytogenetic location: 2q36.3.
Variant type: single nucleotide variant.
Coding change: c.755G>T on transcript NM_000092.5 (MANE Select); coding-DNA position 755, G replaced by T.
Protein change: p.Gly252Val; replaces glycine 252 with valine.
Molecular consequence: missense variant.
Genome position (GRCh38, 1-based): chr2:227,104,033, C>A on the plus strand (G>T on the coding strand, the complement: COL4A4 is on the minus strand). VCF-style: chr2-227104033-C-A. GRCh37 (hg19) VCF-style: chr2-227968749-C-A.
Other names: short protein forms G252V.
Identifiers: ClinVar variation 635513 (VCV000635513.19), dbSNP rs760795817, ClinGen allele CA2145435.
Genomic context (GRCh38, chr2:227,104,033, plus strand): 5'-TTTTCTCCTTTATAGAGACAAAAGTCAGGTGGCTCTACCAACAGGGTGGGTCCAGGAGAA[C>A]CTTGCTGACCAACCTCACCCTTAAAAAAAAAAGCAAGATAATGAAAATTTCATATTAATT-3'
Protein context (NP_000083.3, residues 242-262): MGDPGEVGQQ[Gly252Val]SPGPTLLVEP

ClinVar aggregate classification (germline): Pathogenic/Likely pathogenic. Review status: criteria provided, multiple submitters, no conflicts (2 of 4 stars). 10 submissions from 10 submitters: Pathogenic (3); Likely pathogenic (5). 2 of the submissions do not count toward it. Last evaluated 2025-10-29.

Conditions:
Autosomal recessive Alport syndrome (ATS2). Also called: COL4A3-Related Nephropathy; COL4A4 Alport Syndrome and Thin Basement Membrane Nephropathy; ALPORT SYNDROME 2, AUTOSOMAL RECESSIVE; Alport syndrome type 2. Identifiers: Orphanet 63, Orphanet 88919, MedGen C4746745, MONDO:0008762, OMIM 203780.
Hematuria, benign familial, 1 (BFH1). Also called: THIN MEMBRANE NEPHROPATHY. Identifiers: MedGen CN376803, MONDO:0007709, OMIM 141200.
Alport syndrome. Also called: Hemorrhagic familial nephritis; Hemorrhagic hereditary nephritis; Congenital hereditary hematuria. Identifiers: Orphanet 63, MedGen C1567741, MONDO:0018965.
Autosomal dominant Alport syndrome (ATS3A). Also called: Alport syndrome dominant type; Renal failure and sensorineural hearing loss; ALPORT SYNDROME 3A, AUTOSOMAL DOMINANT. Identifiers: Orphanet 63, Orphanet 88918, MedGen C5882663, MONDO:0007086, OMIM 104200.
COL4A4-related disorder.

Allele frequency attached by ClinVar (database versions not stated): ExAC 0.00001; gnomAD 0.00001; gnomAD exomes 0.00001.
gnomAD v4.1: 6 of 1,613,102 alleles (0.00037%); highest among the groups gnomAD compares: Admixed American, 0.0033%; no homozygotes.

Submissions (10):

Labcorp Genetics (formerly Invitae), Labcorp
Classification: Likely pathogenic. Last evaluated: 2025-10-29. Review status: criteria provided, single submitter. Criteria: Invitae Variant Classification Sherloc (09022015). Collection method: clinical testing. Allele origin: germline.
Comment: This sequence change replaces glycine, which is neutral and non-polar, with valine, which is neutral and non-polar, at codon 252 of the COL4A4 protein (p.Gly252Val). This variant is present in population databases (rs760795817, gnomAD 0.006%). This missense change has been observed in individuals with clinical features of Alport syndrome (PMID: 31308072, 31328266, 33838161, 35325889, 36130833; internal data). ClinVar contains an entry for this variant (Variation ID: 635513). Invitae Evidence Modeling of protein sequence and biophysical properties (such as structural, functional, and spatial information, amino acid conservation, physicochemical variation, residue mobility, and thermodynamic stability) has been performed for this missense variant. However, the output from this modeling did not meet the statistical confidence thresholds required to predict the impact of this variant on COL4A4 protein function. This variant disrupts the p.Gly252 amino acid residue in COL4A4. Other variant(s) that disrupt this residue have been determined to be pathogenic (PMID: 29801666, 33233744, 33369211). This suggests that this residue is clinically significant, and that variants that disrupt this residue are likely to be disease-causing. In summary, the currently available evidence indicates that the variant is pathogenic, but additional data are needed to prove that conclusively. Therefore, this variant has been classified as Likely Pathogenic.

Natera, Inc.
Classification: Pathogenic for Alport syndrome. Last evaluated: 2025-09-08. Review status: criteria provided, single submitter. Criteria: Natera Variant Classification Schema (03/2026). Collection method: clinical testing. Allele origin: germline.
Comment: The c.755G>T variant in COL4A4 is a missense variant predicted to cause substitution of glycine to valine at amino acid 252. This variant is rare in the general population with a frequency below the threshold expected for the associated phenotype(s). This variant has been observed in affected individual(s) with monoallelic occurrence (heterozygous/hemizygous) (PMID: 33838161). This variant is located in a functionally critical region of the protein. A different variant at the same position has been determined to be Pathogenic or Likely Pathogenic. Computational prediction algorithms indicate this variant is likely to affect gene or protein function. Given the available evidence, this variant is classified as Pathogenic.

PreventionGenetics, part of Exact Sciences
Classification: Pathogenic for COL4A4-related condition. Last evaluated: 2025-07-31. Review status: criteria provided, single submitter. Criteria: ACMG Guidelines, 2015. Collection method: clinical testing. Allele origin: germline.
Comment: The COL4A4 c.755G>T variant is predicted to result in the amino acid substitution p.Gly252Val. This variant has been reported in the heterozygous state in individuals with COL4A4-related Alport syndrome spectrum disorders (Table S3, Rao et al. 2019. PubMed ID: 31328266; Table S1, Furlano et al. 2021. PubMed ID: 33838161; Table S3, Wang et al. 2019. PubMed ID: 31308072; Table S3, Bleyer et al. 2022. PubMed ID: 35325889; Table S5, Yuan et al. 2022. PubMed ID: 36130833). This variant affects a glycine (Gly) residue of the conserved triple helical domain (residues 65 – 1459) of the COL4A4 protein, where substitutions of the glycine (Gly) residue are usually pathogenic (Hudson et al. 1993. PubMed ID: 8253711). This variant is reported in 0.0058% of alleles in individuals of Latino descent in gnomAD. This variant is interpreted as pathogenic for both autosomal dominant and recessive COL4A4-related Alport syndrome spectrum disorders.

GeneDx
Classification: Likely pathogenic. Last evaluated: 2025-06-04. Review status: criteria provided, single submitter. Criteria: GeneDx Variant Classification Process June 2021. Collection method: clinical testing. Allele origin: germline. Affected: yes.
Comment: Affects a glycine residue in a Gly-X-Y motif in the triple helical region of the COL4A4 gene; In silico analysis supports that this missense variant has a deleterious effect on protein structure/function; This variant is associated with the following publications: (PMID: 33838161, 35325889, 31308072, 36130833, 31328266)

Blueprint Genetics
Classification: Likely pathogenic for COL4A4-related disorders. Last evaluated: 2024-05-21. Review status: criteria provided, single submitter. Criteria: ACMG Guidelines, 2015. Collection method: clinical testing. Allele origin: germline. Affected: yes. Observed: 3 variant alleles.

Fulgent Genetics
Classification: Pathogenic for Hematuria, benign familial, 1; Autosomal recessive Alport syndrome. Last evaluated: 2024-03-19. Review status: criteria provided, single submitter. Criteria: ACMG Guidelines, 2015. Collection method: clinical testing. Allele origin: germline.

3billion
Classification: Likely pathogenic for Hematuria, benign familial, 1. Last evaluated: 2023-07-19. Review status: criteria provided, single submitter. Criteria: ACMG Guidelines, 2015. Collection method: clinical testing. Allele origin: germline. Affected: yes.
Comment: The variant is observed at an extremely low frequency in the gnomAD v2.1.1 dataset (total allele frequency: 0.001%). Predicted Consequence/Location: Missense variant In silico tool predictions suggest damaging effect of the variant on gene or gene product (REVEL: 0.79; 3Cnet: 0.98). Same nucleotide change resulting in same amino acid change has been previously reported as pathogenic/likely pathogenic with strong evidence (ClinVar ID: VCV000635513 /3billion dataset). Different missense changes at the same codon (p.Gly252Asp, p.Gly252Ser) have been reported as pathogenic/likely pathogenic with strong evidence (ClinVar ID: VCV000870369, VCV001285413 /PMID: 29801666). Therefore, this variant is classified as Likely pathogenic according to the recommendation of ACMG/AMP guideline.

Clinical Genetics Service, Universitary Hospital 12 de Octubre
Classification: Likely pathogenic for Hematuria, benign familial, 1. Review status: criteria provided, single submitter. Criteria: ACMG Guidelines, 2015. Collection method: clinical testing. Allele origin: germline. Affected: yes.

Laboratory of Research in Genomics, Genetics and Bioinformatics, Hospital Infantil de Mexico Federico Gomez
Classification: Pathogenic for Autosomal recessive Alport syndrome. Last evaluated: 2025-04-08. Review status: no assertion criteria provided. Collection method: research. Allele origin: germline. Affected: yes. Not counted in ClinVar's aggregate classification.

Bioscientia Institut fuer Medizinische Diagnostik GmbH, Sonic Healthcare
Classification: Pathogenic for Autosomal dominant Alport syndrome. Last evaluated: 2020-01-08. Review status: no assertion criteria provided. Collection method: clinical testing. Allele origin: germline. Affected: yes. Not counted in ClinVar's aggregate classification.

Literature cited by the submitters: PubMed 31308072 (cited by Labcorp Genetics (formerly Invitae), Labcorp); PubMed 31328266 (cited by Labcorp Genetics (formerly Invitae), Labcorp); PubMed 33838161 (cited by Labcorp Genetics (formerly Invitae), Labcorp and Natera, Inc.); PubMed 35325889 (cited by Labcorp Genetics (formerly Invitae), Labcorp); PubMed 36130833 (cited by Labcorp Genetics (formerly Invitae), Labcorp); PubMed 29801666 (cited by Labcorp Genetics (formerly Invitae), Labcorp and 3billion); PubMed 33233744 (cited by Labcorp Genetics (formerly Invitae), Labcorp); PubMed 33369211 (cited by Labcorp Genetics (formerly Invitae), Labcorp).